The following is an entry in ClinVar:

NM_000548.5(TSC2):c.4952del (p.Asn1651fs)

Gene: TSC2 (TSC complex subunit 2; plus strand). Cytogenetic location: 16p13.3.
Variant type: Deletion.
Coding change: c.4952del on transcript NM_000548.5 (MANE Select); coding-DNA position 4952, one base deleted (A; older notation c.4952delA).
Protein change: p.Asn1651fs; shifts the reading frame from asparagine 1651.
Molecular consequence: frameshift variant.
Genome position (GRCh38, 1-based): chr16:2,086,834, A deleted; the last of 2 consecutive A bases (chr16:2,086,833-2,086,834); deleting either gives the same sequence. VCF-style (leftmost placement, unchanged base first): chr16-2086832-CA-C. GRCh37 (hg19) VCF-style: chr16-2136833-CA-C.
Other names: c.4751del, p.Asn1584fs (NM_001077183.3); c.4883del, p.Asn1628fs (NM_001114382.3); c.4643del, p.Asn1548fs (NM_001318827.2); c.4607del, p.Asn1536fs (NM_001318829.2); c.4220del, p.Asn1407fs (NM_001318831.2); c.4784del, p.Asn1595fs (NM_001318832.2); c.4754del, p.Asn1585fs (NM_001363528.2); c.4820del, p.Asn1607fs (NM_001370404.1); and 1 more; short protein forms N1584fs, N1595fs, N1407fs, N1548fs, N1607fs, N1628fs, N1651fs, N1536fs.
Identifiers: ClinVar variation 854902 (VCV000854902.1), dbSNP rs2090865155, ClinGen allele CA916081797.

ClinVar aggregate classification (germline): Pathogenic (1 of 4 stars; one submission).

Conditions:
Tuberous sclerosis 2 (TSC2). Identifiers: Orphanet 805, MedGen C1860707, MONDO:0013199, OMIM 613254.

Submission:

Labcorp Genetics (formerly Invitae), Labcorp
Classification: Pathogenic for Tuberous sclerosis 2. Last evaluated: 2019-01-19. Review status: criteria provided, single submitter. Criteria: Invitae Variant Classification Sherloc (09022015). Collection method: clinical testing. Allele origin: germline.
Comment: This sequence change creates a premature translational stop signal (p.Asn1651Metfs*21) in the TSC2 gene. It is expected to result in an absent or disrupted protein product. This variant is not present in population databases (ExAC no frequency). This variant has not been reported in the literature in individuals with TSC2-related conditions. Loss-of-function variants in TSC2 are known to be pathogenic (PMID: 10205261, 17304050). For these reasons, this variant has been classified as Pathogenic.